The following is an entry in ClinVar:

ClinVar aggregate classification (germline): Uncertain significance (1 of 4 stars; one submission).

Submission:

Labcorp Genetics (formerly Invitae), Labcorp
Classification: Uncertain significance. Last evaluated: 2021-08-06. Review status: criteria provided, single submitter. Criteria: Invitae Variant Classification Sherloc (09022015). Collection method: clinical testing. Allele origin: germline.
Comment: In summary, the available evidence is currently insufficient to determine the role of this variant in disease. Therefore, it has been classified as a Variant of Uncertain Significance. Advanced modeling of protein sequence and biophysical properties (such as structural, functional, and spatial information, amino acid conservation, physicochemical variation, residue mobility, and thermodynamic stability) performed at Invitae indicates that this missense variant is expected to disrupt ABCC6 protein function. This variant has not been reported in the literature in individuals affected with ABCC6-related conditions. This variant is not present in population databases (ExAC no frequency). This sequence change replaces serine with asparagine at codon 1161 of the ABCC6 protein (p.Ser1161Asn). The serine residue is weakly conserved and there is a small physicochemical difference between serine and asparagine.

NM_001171.6(ABCC6):c.3482G>A (p.Ser1161Asn)

Gene: ABCC6 (ATP binding cassette subfamily C member 6; minus strand). Cytogenetic location: 16p13.11.
Variant type: single nucleotide variant.
Coding change: c.3482G>A on transcript NM_001171.6 (MANE Select); coding-DNA position 3482, G replaced by A.
Protein change: p.Ser1161Asn; replaces serine 1161 with asparagine.
Molecular consequence: missense variant.
Genome position (GRCh38, 1-based): chr16:16,163,017, C>T on the plus strand (G>A on the coding strand, the complement: ABCC6 is on the minus strand). VCF-style: chr16-16163017-C-T. GRCh37 (hg19) VCF-style: chr16-16256874-C-T.
Other names: c.3140G>A, p.Ser1047Asn (NM_001351800.1); short protein forms S1161N, S1047N.
Identifiers: ClinVar variation 1439697 (VCV001439697.5), dbSNP rs2046769373, ClinGen allele CA394880420.